The following is an entry in ClinVar:

ClinVar aggregate classification (germline): Conflicting classifications of pathogenicity. Review status: criteria provided, conflicting classifications (1 of 4 stars). 2 submissions from 2 submitters: Uncertain significance (1); Likely benign (1). Last evaluated 2026-04-01.

Submissions (2):

CeGaT Center for Human Genetics Tuebingen
Classification: Likely benign. Last evaluated: 2026-04-01. Review status: criteria provided, single submitter. Criteria: CeGaT Center For Human Genetics Tuebingen Variant Classification Criteria Version 2. Collection method: clinical testing. Allele origin: germline. Affected: yes. Observed: 1 variant allele.
Comment: SETBP1: BP4

Labcorp Genetics (formerly Invitae), Labcorp
Classification: Uncertain significance. Last evaluated: 2024-02-14. Review status: criteria provided, single submitter. Criteria: Invitae Variant Classification Sherloc (09022015). Collection method: clinical testing. Allele origin: germline.
Comment: This sequence change replaces alanine, which is neutral and non-polar, with threonine, which is neutral and polar, at codon 261 of the SETBP1 protein (p.Ala261Thr). This variant is present in population databases (rs764896608, gnomAD 0.002%). This variant has not been reported in the literature in individuals affected with SETBP1-related conditions. Advanced modeling of protein sequence and biophysical properties (such as structural, functional, and spatial information, amino acid conservation, physicochemical variation, residue mobility, and thermodynamic stability) performed at Invitae indicates that this missense variant is not expected to disrupt SETBP1 protein function with a negative predictive value of 80%. In summary, the available evidence is currently insufficient to determine the role of this variant in disease. Therefore, it has been classified as a Variant of Uncertain Significance.

NM_015559.3(SETBP1):c.781G>A (p.Ala261Thr)

Gene: SETBP1 (SET binding protein 1; plus strand). Cytogenetic location: 18q12.3.
Variant type: single nucleotide variant.
Coding change: c.781G>A on transcript NM_015559.3 (MANE Select); coding-DNA position 781, G replaced by A.
Protein change: p.Ala261Thr; replaces alanine 261 with threonine.
Molecular consequence: missense variant.
Genome position (GRCh38, 1-based): chr18:44,950,121, G>A. VCF-style: chr18-44950121-G-A. GRCh37 (hg19) VCF-style: chr18-42530086-G-A.
Other names: c.781G>A, p.Ala261Thr (NM_001379141.1, NM_001379142.1, NM_001410862.1); short protein forms A261T.
Identifiers: ClinVar variation 3616752 (VCV003616752.4).